The following is an entry in ClinVar:

ClinVar aggregate classification (germline): Uncertain significance (1 of 4 stars; one submission).

Conditions:
Leigh syndrome (NULS). Also called: Leigh's necrotizing encephalopathy; Leigh's disease; Leigh Syndrome (mtDNA deletion); Leigh Disease; Subacute necrotizing encephalopathy; Necrotizing encephalopathy infantile subacute of Leigh. Identifiers: Orphanet 506, MedGen C2931891, MONDO:0009723, OMIM 256000.

Submission:

Wong Mito Lab, Molecular and Human Genetics, Baylor College of Medicine
Classification: Uncertain significance for Leigh syndrome. Last evaluated: 2019-10-17. Review status: criteria provided, single submitter. Criteria: Modified ACMG Guidelines (Unpublished). Collection method: clinical testing. Allele origin: germline.
Comment: The NC_012920.1:m.10911G>A (YP_003024035.1:p.Ser51Asn) variant in MTND4 gene is interpretated to be a Uncertain Significance variant based on the modified ACMG guidelines (unpublished). This variant meets the following evidence codes: PP7, BP4

NC_012920.1(MT-ND4):m.10911G>A

Gene: MT-ND4 (mitochondrially encoded NADH dehydrogenase 4; plus strand).
Variant type: single nucleotide variant.
Genome position: chrM-10911-G-A.
Identifiers: ClinVar variation 693325 (VCV000693325.1), dbSNP rs1603223016, ClinGen allele CA414807483.
Genomic context (GRCh38, chrMT:10,911, plus strand): 5'-GCCTAATTATTAGCATCATCCCTCTACTATTTTTTAACCAAATCAACAACAACCTATTTA[G>A]CTGTTCCCCAACCTTTTCCTCCGACCCCCTAACAACCCCCCTCCTAATACTAACTACCTG-3'